The following is an entry in ClinVar:

ClinVar aggregate classification (germline): Uncertain significance. Review status: criteria provided, multiple submitters, no conflicts (2 of 4 stars). 2 submissions from 2 submitters: Uncertain significance (2). Last evaluated 2025-09-14.

Conditions:
Retinitis pigmentosa 71 (RP71). Identifiers: Orphanet 791, MedGen C4225342, MONDO:0014618, OMIM 616394.
Short-rib thoracic dysplasia 10 with or without polydactyly (SRTD10). Identifiers: Orphanet 474, MedGen C3810175, MONDO:0014284, OMIM 615630.
IFT172-related disorder. Also called: IFT172-related disorders; IFT172-related condition.

Allele frequency attached by ClinVar (database versions not stated): gnomAD exomes 0.00001 and 0.00002.
gnomAD v4.1: 26 of 1,614,130 alleles (0.0016%); highest among the groups gnomAD compares: Non-Finnish European, 0.002%; no homozygotes.

Submissions (2):

PreventionGenetics, part of Exact Sciences
Classification: Uncertain significance for IFT172-related condition. Last evaluated: 2025-09-14. Review status: criteria provided, single submitter. Criteria: ACMG Guidelines, 2015. Collection method: clinical testing. Allele origin: germline.
Comment: The IFT172 c.3836T>C variant is predicted to result in the amino acid substitution p.Phe1279Ser. To our knowledge, this variant has not been reported in the literature. This variant is reported in 0.00088% of alleles in individuals of European (Non-Finnish) descent in gnomAD. At this time, the clinical significance of this variant is uncertain due to the absence of conclusive functional and genetic evidence.

Labcorp Genetics (formerly Invitae), Labcorp
Classification: Uncertain significance for Retinitis pigmentosa 71; Short-rib thoracic dysplasia 10 with or without polydactyly. Last evaluated: 2025-02-03. Review status: criteria provided, single submitter. Criteria: Invitae Variant Classification Sherloc (09022015). Collection method: clinical testing. Allele origin: germline.
Comment: This sequence change replaces phenylalanine, which is neutral and non-polar, with serine, which is neutral and polar, at codon 1279 of the IFT172 protein (p.Phe1279Ser). This variant is present in population databases (no rsID available, gnomAD 0.002%). This variant has not been reported in the literature in individuals affected with IFT172-related conditions. ClinVar contains an entry for this variant (Variation ID: 1059860). Invitae Evidence Modeling of protein sequence and biophysical properties (such as structural, functional, and spatial information, amino acid conservation, physicochemical variation, residue mobility, and thermodynamic stability) indicates that this missense variant is not expected to disrupt IFT172 protein function with a negative predictive value of 95%. In summary, the available evidence is currently insufficient to determine the role of this variant in disease. Therefore, it has been classified as a Variant of Uncertain Significance.

NM_015662.3(IFT172):c.3836T>C (p.Phe1279Ser)

Genes: IFT172 (intraflagellar transport 172; minus strand), LOC126806173 (BRD4-independent group 4 enhancer GRCh37_chr2:27676057-27677256; plus strand). Cytogenetic location: 2p23.3.
Variant type: single nucleotide variant.
Coding change: c.3836T>C on transcript NM_015662.3 (MANE Select); coding-DNA position 3836, T replaced by C.
Protein change: p.Phe1279Ser; replaces phenylalanine 1279 with serine.
Molecular consequence: missense variant.
Genome position (GRCh38, 1-based): chr2:27,453,499, A>G on the plus strand (T>C on the coding strand, the complement: IFT172 is on the minus strand). VCF-style: chr2-27453499-A-G. GRCh37 (hg19) VCF-style: chr2-27676366-A-G.
Other names: c.3836T>C (NM_015662.2); short protein forms F1279S.
Identifiers: ClinVar variation 1059860 (VCV001059860.8), dbSNP rs1303152998, ClinGen allele CA346377824.